The following continues an entry in ClinVar:

NM_000059.4(BRCA2):c.5471dup (p.Asn1824fs)

Gene: BRCA2. ClinVar aggregate classification (germline): Pathogenic. Pathogenic (1).

Submissions 12 to 17 of 17:

Consortium of Investigators of Modifiers of BRCA1/2 (CIMBA), c/o University of Cambridge
Classification: Pathogenic for Breast-ovarian cancer, familial, susceptibility to, 2. Last evaluated: 2015-10-02. Review status: criteria provided, single submitter. Criteria: CIMBA Mutation Classification guidelines May 2016. Collection method: clinical testing. Allele origin: germline. Not counted in ClinVar's aggregate classification.

Counsyl
Classification: Pathogenic for Breast-ovarian cancer, familial, susceptibility to, 2. Last evaluated: 2016-09-09. Review status: no assertion criteria provided. Collection method: clinical testing. Allele origin: unknown. Not counted in ClinVar's aggregate classification.

Research Molecular Genetics Laboratory, Women's College Hospital, University of Toronto
Classification: Pathogenic for Hereditary breast ovarian cancer syndrome. Last evaluated: 2014-01-31. Review status: no assertion criteria provided. Collection method: research. Allele origin: germline. Affected: yes. Study: The Canadian Open Genetics Repository (COGR). Not counted in ClinVar's aggregate classification.

Sharing Clinical Reports Project (SCRP)
Classification: Pathogenic for Breast-ovarian cancer, familial 2. Last evaluated: 2012-01-24. Review status: no assertion criteria provided. Collection method: clinical testing. Allele origin: germline. Not counted in ClinVar's aggregate classification.

Breast Cancer Information Core (BIC) (BRCA2)
Classification: Pathogenic for Breast-ovarian cancer, familial 2. Review status: no assertion criteria provided. Collection method: clinical testing. Allele origin: germline. Affected: yes. Observed: 1 variant allele. Not counted in ClinVar's aggregate classification.

Department of Pathology and Laboratory Medicine, Sinai Health System
Classification: Pathogenic. Review status: no assertion criteria provided. Collection method: clinical testing. Allele origin: unknown. Affected: yes. Study: The Canadian Open Genetics Repository (COGR). Not counted in ClinVar's aggregate classification.
Comment: The BRCA2 p.Asn1824Lysfsx5 variant was identified by Lubinski (2004) in a family referred for assessment of multiple cancer types. The variant was also identified in dbSNP (ID: rs80359515) â€šÃ„Ãºwith pathogenic alleleâ€šÃ„Ã¹ and the BIC database (1X with clinical importance). The p.Asn1824Lysfsx5 variant is predicted to cause a frameshift, which alters the protein's amino acid sequence beginning at codon 1824 and leads to a premature stop codon 5 codons downstream. This alteration is then predicted to result in a truncated or absent protein and loss of function. Loss of function variants of the BRCA2 gene are an established mechanism of disease in hereditary breast and ovarian cancer and is the type of variant expected to cause the disorder. In summary, based on the above information, this variant meets our laboratoryâ€šÃ„Ã´s criteria to be classified as pathogenic.

Literature cited by the submitters: PubMed 20104584 (cited by Labcorp Genetics (formerly Invitae), Labcorp); PubMed 15131399 (cited by 6 submitters); PubMed 29446198 (cited by 4 submitters); PubMed 33471991 (cited by 3 submitters); PubMed 36881271 (cited by All of Us Research Program, National Institutes of Health and Color Diagnostics, LLC DBA Color Health); PubMed 27153395 (cited by Counsyl).